The following is an entry in ClinVar:

ClinVar aggregate classification (germline): Uncertain significance (1 of 4 stars; one submission).

Submission:

GeneDx
Classification: Uncertain significance. Last evaluated: 2026-03-06. Review status: criteria provided, single submitter. Criteria: GeneDx Variant Classification Process June 2021. Collection method: clinical testing. Allele origin: germline.
Comment: Not observed at significant frequency in large population cohorts (gnomAD); In-frame deletion of 2 amino acid(s) in a non-repeat region; In silico analysis suggests that this variant does not alter protein structure/function; Has not been previously published as pathogenic or benign to our knowledge

NM_001170629.2(CHD8):c.7496CCCACC[1] (p.2499PH[1])

Gene: CHD8 (chromodomain helicase DNA binding protein 8; minus strand). Cytogenetic location: 14q11.2.
Variant type: Microsatellite.
Coding change: c.7496CCCACC[1] on transcript NM_001170629.2 (MANE Select); one copy of the 6-base unit CCCACC starting at c.7496; the reference has two copies in a row; one copy, 6 bases deleted.
Protein change: p.2499PH[1].
Molecular consequence: inframe deletion.
Genome position (GRCh38, 1-based): chr14:21,385,852-21,385,857, GGTGGG deleted on the plus strand (CCCACC on the coding strand, the reverse complement: CHD8 is on the minus strand); deleting any 6 consecutive bases within chr14:21,385,852-21,385,868 gives the same sequence; the position shown is the placement nearest the transcript's 3' end. VCF-style (leftmost placement, unchanged base first): chr14-21385851-TGGTGGG-T. GRCh37 (hg19) VCF-style: chr14-21854010-TGGTGGG-T.
Other names: c.6659CCCACC[1], p.2220PH[1] (NM_020920.4).
Identifiers: ClinVar variation 4888044 (VCV004888044.1).